The following is an entry in ClinVar:

ClinVar aggregate classification (germline): Uncertain significance. Review status: criteria provided, multiple submitters, no conflicts (2 of 4 stars). 2 submissions from 2 submitters: Uncertain significance (2). Last evaluated 2024-09-26.

Conditions:
Primary ciliary dyskinesia. Also called: Ciliary dyskinesia. Identifiers: Orphanet 244, MedGen C0008780, MONDO:0016575, HP:0012265.

gnomAD v4.1: 3 of 1,613,870 alleles (0.00019%); highest among the groups gnomAD compares: Non-Finnish European, 0.00025%; no homozygotes.

Submissions (2):

Ambry Genetics
Classification: Uncertain significance for Primary ciliary dyskinesia. Last evaluated: 2024-09-26. Review status: criteria provided, single submitter. Criteria: Ambry Variant Classification Scheme 2023. Collection method: clinical testing. Allele origin: germline.

Labcorp Genetics (formerly Invitae), Labcorp
Classification: Uncertain significance for Primary ciliary dyskinesia. Last evaluated: 2024-04-05. Review status: criteria provided, single submitter. Criteria: Invitae Variant Classification Sherloc (09022015). Collection method: clinical testing. Allele origin: germline.
Comment: This sequence change replaces proline, which is neutral and non-polar, with glutamine, which is neutral and polar, at codon 3701 of the DNAH5 protein (p.Pro3701Gln). This variant is present in population databases (rs779963906, gnomAD 0.0009%). This variant has not been reported in the literature in individuals affected with DNAH5-related conditions. Advanced modeling of protein sequence and biophysical properties (such as structural, functional, and spatial information, amino acid conservation, physicochemical variation, residue mobility, and thermodynamic stability) has been performed at Invitae for this missense variant, however the output from this modeling did not meet the statistical confidence thresholds required to predict the impact of this variant on DNAH5 protein function. In summary, the available evidence is currently insufficient to determine the role of this variant in disease. Therefore, it has been classified as a Variant of Uncertain Significance.

NM_001369.3(DNAH5):c.11102C>A (p.Pro3701Gln)

Gene: DNAH5 (dynein axonemal heavy chain 5; minus strand). Cytogenetic location: 5p15.2.
Variant type: single nucleotide variant.
Coding change: c.11102C>A on transcript NM_001369.3 (MANE Select); coding-DNA position 11102, C replaced by A.
Protein change: p.Pro3701Gln; replaces proline 3701 with glutamine.
Molecular consequence: missense variant.
Genome position (GRCh38, 1-based): chr5:13,751,187, G>T on the plus strand (C>A on the coding strand, the complement: DNAH5 is on the minus strand). VCF-style: chr5-13751187-G-T. GRCh37 (hg19) VCF-style: chr5-13751296-G-T.
Other names: short protein forms P3701Q.
Identifiers: ClinVar variation 3503517 (VCV003503517.3).
Genomic context (GRCh38, chr5:13,751,187, plus strand): 5'-TTCATGGTGACAGTGAAGTCAATGATGGAGGTACGGGCACTTATCTCAGGGGTGTAGGCT[G>T]GGTTAGGCAATTTGGTGGTAATGTAGAGTCTAAAGCCATCCAACACATCTACTTCCTTGT-3'
Protein context (NP_001360.1, residues 3691-3711): RLYITTKLPN[Pro3701Gln]AYTPEISART